The following is an entry in ClinVar:

ClinVar aggregate classification (germline): Conflicting classifications of pathogenicity. Review status: criteria provided, conflicting classifications (1 of 4 stars). 3 submissions from 3 submitters: Uncertain significance (1); Likely benign (1). 1 of the submissions does not count toward it. Last evaluated 2026-01-25.

Conditions:
Autosomal recessive nonsyndromic hearing loss 9. Also called: NEUROSENSORY NONSYNDROMIC RECESSIVE DEAFNESS 9; OTOF-Related Hearing Loss; Deafness, autosomal recessive 9; AUDITORY NEUROPATHY, AUTOSOMAL RECESSIVE, 1, TEMPERATURE-SENSITIVE. Identifiers: Orphanet 90636, MedGen C1832828, MONDO:0010986, OMIM 601071.

Allele frequency attached by ClinVar (database versions not stated): gnomAD 0.00001; 1000 Genomes Project 30x 0.00031; gnomAD exomes 0.00002; ExAC 0.00003; 1000 Genomes Project 0.00020.
gnomAD v4.1: 24 of 1,611,354 alleles (0.0015%); highest among the groups gnomAD compares: East Asian, 0.013%; no homozygotes.

Submissions (3):

Labcorp Genetics (formerly Invitae), Labcorp
Classification: Likely benign. Last evaluated: 2026-01-25. Review status: criteria provided, single submitter. Criteria: Invitae Variant Classification Sherloc (09022015). Collection method: clinical testing. Allele origin: germline.

GeneDx
Classification: Uncertain significance. Last evaluated: 2024-12-10. Review status: criteria provided, single submitter. Criteria: GeneDx Variant Classification Process June 2021. Collection method: clinical testing. Allele origin: germline. Affected: yes.
Comment: Reported without a second variant in a patient with unilateral hearing loss in published literature (PMID: 34403091); In silico analysis supports that this missense variant has a deleterious effect on protein structure/function; This variant is associated with the following publications: (PMID: 34403091)

Diagnosis and Treatment Center of Genetic Hearing Loss, Eye & ENT Hospital of Fudan University
Classification: VUS-low for Autosomal recessive nonsyndromic hearing loss 9. Last evaluated: 2026-02-04. Review status: no assertion criteria provided. Collection method: clinical testing. Allele origin: germline. Inheritance: Autosomal recessive inheritance. Affected: yes. Not counted in ClinVar's aggregate classification.
Comment: The c.2629G>A missense variant in OTOF has a gnomAD frequency of 0.000028 (PM2_Supporting). The REVEL score is 0.557.

NM_194248.3(OTOF):c.2629G>A (p.Glu877Lys)

Gene: OTOF (otoferlin; minus strand). Cytogenetic location: 2p23.3.
Variant type: single nucleotide variant.
Coding change: c.2629G>A on transcript NM_194248.3 (MANE Select); coding-DNA position 2629, G replaced by A.
Protein change: p.Glu877Lys; replaces glutamic acid 877 with lysine.
Molecular consequence: missense variant.
Genome position (GRCh38, 1-based): chr2:26,476,938, C>T on the plus strand (G>A on the coding strand, the complement: OTOF is on the minus strand). VCF-style: chr2-26476938-C-T. GRCh37 (hg19) VCF-style: chr2-26699806-C-T.
Other names: c.2629G>A, p.Glu877Lys (NM_001287489.2); c.388G>A, p.Glu130Lys (NM_004802.4, NM_194323.3); c.559G>A, p.Glu187Lys (NM_194322.3); short protein forms E187K, E877K, E130K.
Identifiers: ClinVar variation 2897304 (VCV002897304.5), dbSNP rs201726560, ClinGen allele CA1563832.